The following is an entry in ClinVar:

ClinVar aggregate classification (germline): Uncertain significance (1 of 4 stars; one submission).

gnomAD v4.1: 16 of 1,613,576 alleles (0.00099%); highest among the groups gnomAD compares: East Asian, 0.0045%; no homozygotes.

Submission:

Labcorp Genetics (formerly Invitae), Labcorp
Classification: Uncertain significance. Last evaluated: 2025-03-02. Review status: criteria provided, single submitter. Criteria: Invitae Variant Classification Sherloc (09022015). Collection method: clinical testing. Allele origin: germline.
Comment: This sequence change replaces valine, which is neutral and non-polar, with methionine, which is neutral and non-polar, at codon 92 of the CST3 protein (p.Val92Met). This variant is present in population databases (no rsID available, gnomAD 0.007%). This variant has not been reported in the literature in individuals affected with CST3-related conditions. An algorithm developed to predict the effect of missense changes on protein structure and function (PolyPhen-2) suggests that this variant is likely to be disruptive. In summary, the available evidence is currently insufficient to determine the role of this variant in disease. Therefore, it has been classified as a Variant of Uncertain Significance.

NM_000099.4(CST3):c.274G>A (p.Val92Met)

Gene: CST3 (cystatin C; minus strand). Cytogenetic location: 20p11.21.
Variant type: single nucleotide variant.
Coding change: c.274G>A on transcript NM_000099.4 (MANE Select); coding-DNA position 274, G replaced by A.
Protein change: p.Val92Met; replaces valine 92 with methionine.
Molecular consequence: missense variant.
Genome position (GRCh38, 1-based): chr20:23,635,337, C>T on the plus strand (G>A on the coding strand, the complement: CST3 is on the minus strand). VCF-style: chr20-23635337-C-T. GRCh37 (hg19) VCF-style: chr20-23615974-C-T.
Other names: c.274G>A, p.Val92Met (NM_001288614.2); short protein forms V92M.
Identifiers: ClinVar variation 4695239 (VCV004695239.1).